The following is an entry in ClinVar:

ClinVar aggregate classification (germline): Uncertain significance (1 of 4 stars; one submission).

Conditions:
Werner syndrome (WRN). Identifiers: Orphanet 902, MedGen C0043119, MONDO:0010196, OMIM 277700.

Submission:

Labcorp Genetics (formerly Invitae), Labcorp
Classification: Uncertain significance for Werner syndrome. Last evaluated: 2021-12-30. Review status: criteria provided, single submitter. Criteria: Invitae Variant Classification Sherloc (09022015). Collection method: clinical testing. Allele origin: germline.
Comment: This variant is not present in population databases (gnomAD no frequency). This sequence change falls in intron 2 of the WRN gene. It does not directly change the encoded amino acid sequence of the WRN protein. This variant has not been reported in the literature in individuals affected with WRN-related conditions. Algorithms developed to predict the effect of sequence changes on RNA splicing suggest that this variant may create or strengthen a splice site. In summary, the available evidence is currently insufficient to determine the role of this variant in disease. Therefore, it has been classified as a Variant of Uncertain Significance.

NM_000553.6(WRN):c.97-16A>G

Gene: WRN (WRN RecQ like helicase; plus strand). Cytogenetic location: 8p12.
Variant type: single nucleotide variant.
Coding change: c.97-16A>G on transcript NM_000553.6 (MANE Select); 16 bases into the intron before coding-DNA position 97, A replaced by G.
Molecular consequence: intron variant.
Genome position (GRCh38, 1-based): chr8:31,059,137, A>G. VCF-style: chr8-31059137-A-G. GRCh37 (hg19) VCF-style: chr8-30916653-A-G.
Identifiers: ClinVar variation 1905522 (VCV001905522.5), dbSNP rs2487269036, ClinGen allele CA2580078127.